The following is an entry in ClinVar:

NM_000141.5(FGFR2):c.1482A>T (p.Gln494His)

Gene: FGFR2 (fibroblast growth factor receptor 2; minus strand). Cytogenetic location: 10q26.13.
Variant type: single nucleotide variant.
Coding change: c.1482A>T on transcript NM_000141.5 (MANE Select); coding-DNA position 1482, A replaced by T.
Protein change: p.Gln494His; replaces glutamine 494 with histidine.
Molecular consequence: missense variant. On other transcripts: non-coding transcript variant (1).
Genome position (GRCh38, 1-based): chr10:121,500,905, T>A on the plus strand (A>T on the coding strand, the complement: FGFR2 is on the minus strand). VCF-style: chr10-121500905-T-A. GRCh37 (hg19) VCF-style: chr10-123260419-T-A.
Other names: c.1485A>T, p.Gln495His (NM_001144913.1, NM_022970.4); c.1146A>T, p.Gln382His (NM_001144914.1); c.1215A>T, p.Gln405His (NM_001144915.2, NM_023029.3); c.1137A>T, p.Gln379His (NM_001144916.2); c.1134A>T, p.Gln378His (NM_001144917.2); c.1131A>T, p.Gln377His (NM_001144918.2); c.1218A>T, p.Gln406His (NM_001144919.2); c.798A>T, p.Gln266His (NM_001320654.2); and 1 more; short protein forms Q266H, Q377H, Q378H, Q379H, Q382H, Q405H, Q406H, Q492H.
Identifiers: ClinVar variation 1721294 (VCV001721294.5), dbSNP rs2134010059, ClinGen allele CA378323202.

ClinVar aggregate classification (germline): Uncertain significance (1 of 4 stars; one submission).

Conditions:
FGFR2-related craniosynostosis. Identifiers: MedGen CN231480.

Submission:

Labcorp Genetics (formerly Invitae), Labcorp
Classification: Uncertain significance for FGFR2-related craniosynostosis. Last evaluated: 2022-10-08. Review status: criteria provided, single submitter. Criteria: Invitae Variant Classification Sherloc (09022015). Collection method: clinical testing. Allele origin: germline.
Comment: This sequence change replaces glutamine, which is neutral and polar, with histidine, which is basic and polar, at codon 494 of the FGFR2 protein (p.Gln494His). This variant is not present in population databases (gnomAD no frequency). In summary, the available evidence is currently insufficient to determine the role of this variant in disease. Therefore, it has been classified as a Variant of Uncertain Significance. Advanced modeling of protein sequence and biophysical properties (such as structural, functional, and spatial information, amino acid conservation, physicochemical variation, residue mobility, and thermodynamic stability) performed at Invitae indicates that this missense variant is expected to disrupt FGFR2 protein function. This variant has not been reported in the literature in individuals affected with FGFR2-related conditions.